The following is an entry in ClinVar:

ClinVar aggregate classification (germline): Uncertain significance (1 of 4 stars; one submission).

Conditions:
Developmental and epileptic encephalopathy, 30 (DEE30). Also called: Epileptic encephalopathy, early infantile, 30. Identifiers: MedGen C4225360, MONDO:0014595, OMIM 616341.

Allele frequency attached by ClinVar (database versions not stated): ExAC 0.00001; 1000 Genomes Project 0.00020.

Submission:

Labcorp Genetics (formerly Invitae), Labcorp
Classification: Uncertain significance for Developmental and epileptic encephalopathy, 30. Last evaluated: 2022-05-30. Review status: criteria provided, single submitter. Criteria: Invitae Variant Classification Sherloc (09022015). Collection method: clinical testing. Allele origin: germline.
Comment: This sequence change replaces aspartic acid, which is acidic and polar, with valine, which is neutral and non-polar, at codon 303 of the SIK1 protein (p.Asp303Val). This variant is present in population databases (rs533032057, gnomAD 0.003%). This variant has not been reported in the literature in individuals affected with SIK1-related conditions. Advanced modeling of protein sequence and biophysical properties (such as structural, functional, and spatial information, amino acid conservation, physicochemical variation, residue mobility, and thermodynamic stability) performed at Invitae indicates that this missense variant is not expected to disrupt SIK1 protein function. In summary, the available evidence is currently insufficient to determine the role of this variant in disease. Therefore, it has been classified as a Variant of Uncertain Significance.

NM_173354.5(SIK1):c.908A>T (p.Asp303Val)

Gene: SIK1 (salt inducible kinase 1; minus strand). Cytogenetic location: 21q22.3.
Variant type: single nucleotide variant.
Coding change: c.908A>T on transcript NM_173354.5 (MANE Select); coding-DNA position 908, A replaced by T.
Protein change: p.Asp303Val; replaces aspartic acid 303 with valine.
Molecular consequence: missense variant.
Genome position (GRCh38, 1-based): chr21:43,420,298, T>A on the plus strand (A>T on the coding strand, the complement: SIK1 is on the minus strand). VCF-style: chr21-43420298-T-A. GRCh37 (hg19) VCF-style: chr21-44840178-T-A.
Other names: short protein forms D303V.
Identifiers: ClinVar variation 2001104 (VCV002001104.4), dbSNP rs533032057, ClinGen allele CA321326749.